The following is an entry in ClinVar:

NM_002303.6(LEPR):c.1262G>A (p.Arg421His)

Gene: LEPR (leptin receptor; plus strand). Cytogenetic location: 1p31.3.
Variant type: single nucleotide variant.
Coding change: c.1262G>A on transcript NM_002303.6 (MANE Select); coding-DNA position 1262, G replaced by A.
Protein change: p.Arg421His; replaces arginine 421 with histidine.
Molecular consequence: missense variant.
Genome position (GRCh38, 1-based): chr1:65,601,659, G>A. VCF-style: chr1-65601659-G-A. GRCh37 (hg19) VCF-style: chr1-66067342-G-A.
Other names: c.1262G>A, p.Arg421His (NM_001003679.3, NM_001003680.3, NM_001198687.2 and 2 more transcripts); short protein forms R421H.
Identifiers: ClinVar variation 4984150 (VCV004984150.1).

ClinVar aggregate classification (germline): Uncertain significance (1 of 4 stars; one submission).

Conditions:
LEPR-related disorder. Also called: LEPR-related condition; LEPR-related disorders.

gnomAD v4.1: 6 of 1,613,434 alleles (0.00037%); highest among the groups gnomAD compares: South Asian, 0.0022%; no homozygotes.

Submission:

PreventionGenetics, part of Exact Sciences
Classification: Uncertain significance for LEPR-related condition. Last evaluated: 2025-08-13. Review status: criteria provided, single submitter. Criteria: ACMG Guidelines, 2015. Collection method: clinical testing. Allele origin: germline.
Comment: The LEPR c.1262G>A variant is predicted to result in the amino acid substitution p.Arg421His. This variant was observed in a cohort of individuals with obesity, and in vitro functional studies showed function similar to wild-type levels (Supplemental Data Set, Shah et al. 2023. PubMed ID: 36864747). This variant is reported in 0.0033% of alleles in individuals of South Asian descent in gnomAD. At this time, the clinical significance of this variant is uncertain due to the absence of conclusive functional and genetic evidence.